The following is an entry in ClinVar:

NM_005612.5(REST):c.730A>G (p.Asn244Asp)

Gene: REST (RE1 silencing transcription factor; plus strand). Cytogenetic location: 4q12.
Variant type: single nucleotide variant.
Coding change: c.730A>G on transcript NM_005612.5 (MANE Select); coding-DNA position 730, A replaced by G.
Protein change: p.Asn244Asp; replaces asparagine 244 with aspartic acid.
Molecular consequence: missense variant.
Genome position (GRCh38, 1-based): chr4:56,911,368, A>G. VCF-style: chr4-56911368-A-G. GRCh37 (hg19) VCF-style: chr4-57777534-A-G.
Other names: c.730A>G, p.Asn244Asp (NM_001193508.2, NM_001363453.3); short protein forms N244D.
Identifiers: ClinVar variation 3017887 (VCV003017887.3), dbSNP rs1164834053, ClinGen allele CA357004689.
Genomic context (GRCh38, chr4:56,911,368, plus strand): 5'-AATACTAATCGATATGATCACTATACAGCACACCTGAAACACCACACCAGAGCTGGGGAT[A>G]ATGAGCGAGTCTACAAGTGTATCATTTGCACATACACAACAGTGAGCGAGTATCACTGGA-3'
Protein context (NP_005603.3, residues 234-254): HLKHHTRAGD[Asn244Asp]ERVYKCIICT

ClinVar aggregate classification (germline): Uncertain significance (1 of 4 stars; one submission).

Allele frequency attached by ClinVar (database versions not stated): gnomAD exomes below 0.00001; TOPMed below 0.00001.
gnomAD v4.1: 2 of 1,614,234 alleles (0.00012%); highest among the groups gnomAD compares: Non-Finnish European, 0.00017%; no homozygotes.

Submission:

Labcorp Genetics (formerly Invitae), Labcorp
Classification: Uncertain significance. Last evaluated: 2023-02-10. Review status: criteria provided, single submitter. Criteria: Invitae Variant Classification Sherloc (09022015). Collection method: clinical testing. Allele origin: germline.
Comment: This sequence change replaces asparagine, which is neutral and polar, with aspartic acid, which is acidic and polar, at codon 244 of the REST protein (p.Asn244Asp). This variant is present in population databases (no rsID available, gnomAD 0.0009%). This variant has not been reported in the literature in individuals affected with REST-related conditions. Algorithms developed to predict the effect of missense changes on protein structure and function are either unavailable or do not agree on the potential impact of this missense change (SIFT: "Deleterious"; PolyPhen-2: "Possibly Damaging"; Align-GVGD: "Class C15"). In summary, the available evidence is currently insufficient to determine the role of this variant in disease. Therefore, it has been classified as a Variant of Uncertain Significance.